The following is an entry in ClinVar:

ClinVar aggregate classification (germline): Likely benign (1 of 4 stars; one submission).

Conditions:
CIC-related disorder. Also called: CIC-related condition.

Submission:

PreventionGenetics, part of Exact Sciences
Classification: Likely benign for CIC-related condition. Last evaluated: 2024-11-09. Review status: criteria provided, single submitter. Criteria: ACMG Guidelines, 2015. Collection method: clinical testing. Allele origin: germline.
Comment: This variant is classified as likely benign based on ACMG/AMP sequence variant interpretation guidelines (Richards et al. 2015 PMID: 25741868, with internal and published modifications).

NM_001386298.1(CIC):c.447C>T (p.Gly149=)

Gene: CIC (capicua transcriptional repressor; plus strand). Cytogenetic location: 19q13.2.
Variant type: single nucleotide variant.
Coding change: c.447C>T on transcript NM_001386298.1 (MANE Select); coding-DNA position 447, C replaced by T.
Protein change: p.Gly149=; no amino-acid change (glycine 149 retained).
Molecular consequence: synonymous variant.
Genome position (GRCh38, 1-based): chr19:42,272,230, C>T. VCF-style: chr19-42272230-C-T. GRCh37 (hg19) VCF-style: chr19-42776382-C-T.
Other names: c.447C>T, p.Gly149= (NM_001304815.2, NM_001379480.1, NM_001379482.1 and 6 more transcripts).
Identifiers: ClinVar variation 4986491 (VCV004986491.1).